The following is an entry in ClinVar:

ClinVar aggregate classification (germline): Uncertain significance (1 of 4 stars; one submission).

Conditions:
Cardiovascular phenotype. Identifiers: MedGen CN230736.

Allele frequency attached by ClinVar (database versions not stated): ExAC 0.00001.
gnomAD v4.1: 1 of 1,614,154 alleles (0.000062%); highest among the groups gnomAD compares: South Asian, 0.0011%; no homozygotes.

Submission:

Ambry Genetics
Classification: Uncertain significance for Cardiovascular phenotype. Last evaluated: 2023-10-03. Review status: criteria provided, single submitter. Criteria: Ambry Variant Classification Scheme 2023. Collection method: clinical testing. Allele origin: germline.
Comment: The p.E208D variant (also known as c.624G>C), located in coding exon 5 of the TBX5 gene, results from a G to C substitution at nucleotide position 624. The glutamic acid at codon 208 is replaced by aspartic acid, an amino acid with highly similar properties. This amino acid position is highly conserved in available vertebrate species. In addition, this alteration is predicted to be deleterious by in silico analysis. Since supporting evidence is limited at this time, the clinical significance of this alteration remains unclear.

NM_181486.4(TBX5):c.624G>C (p.Glu208Asp)

Gene: TBX5 (T-box transcription factor 5; minus strand). Cytogenetic location: 12q24.21.
Variant type: single nucleotide variant.
Coding change: c.624G>C on transcript NM_181486.4 (MANE Select); coding-DNA position 624, G replaced by C.
Protein change: p.Glu208Asp; replaces glutamic acid 208 with aspartic acid.
Molecular consequence: missense variant.
Genome position (GRCh38, 1-based): chr12:114,394,780, C>G on the plus strand (G>C on the coding strand, the complement: TBX5 is on the minus strand). VCF-style: chr12-114394780-C-G. GRCh37 (hg19) VCF-style: chr12-114832585-C-G.
Other names: c.624G>C, p.Glu208Asp (NM_000192.3); c.474G>C, p.Glu158Asp (NM_080717.4); short protein forms E158D, E208D.
Identifiers: ClinVar variation 3230608 (VCV003230608.1), dbSNP rs769113870, ClinGen allele CA6809562.
Genomic context (GRCh38, chr12:114,394,780, plus strand): 5'-GTTCCTGGGCTTCAGGCTTACCTTGTGGTTCTGGTAGGAAGTCACTGCTATAAACGCAGT[C>G]TCAGGAAAGACGTGAGTGCAGAACGCTGTATTTTTTGAGCCAAATCCATTATTTTCATCC-3'
Protein context (NP_852259.1, residues 198-218): NTAFCTHVFP[Glu208Asp]TAFIAVTSYQ